The following is an entry in ClinVar:

ClinVar aggregate classification (germline): Uncertain significance (1 of 4 stars; one submission).

Submission:

Labcorp Genetics (formerly Invitae), Labcorp
Classification: Uncertain significance. Last evaluated: 2025-11-20. Review status: criteria provided, single submitter. Criteria: Invitae Variant Classification Sherloc (09022015). Collection method: clinical testing. Allele origin: germline.
Comment: This sequence change replaces glycine, which is neutral and non-polar, with arginine, which is basic and polar, at codon 212 of the ZNF335 protein (p.Gly212Arg). This variant is not present in population databases (gnomAD no frequency). This variant has not been reported in the literature in individuals affected with ZNF335-related conditions. Invitae Evidence Modeling of protein sequence and biophysical properties (such as structural, functional, and spatial information, amino acid conservation, physicochemical variation, residue mobility, and thermodynamic stability) indicates that this missense variant is not expected to disrupt ZNF335 protein function with a negative predictive value of 80%. In summary, the available evidence is currently insufficient to determine the role of this variant in disease. Therefore, it has been classified as a Variant of Uncertain Significance.

NM_022095.4(ZNF335):c.634G>A (p.Gly212Arg)

Gene: ZNF335 (zinc finger protein 335; minus strand). Cytogenetic location: 20q13.12.
Variant type: single nucleotide variant.
Coding change: c.634G>A on transcript NM_022095.4 (MANE Select); coding-DNA position 634, G replaced by A.
Protein change: p.Gly212Arg; replaces glycine 212 with arginine.
Molecular consequence: missense variant.
Genome position (GRCh38, 1-based): chr20:45,967,914, C>T on the plus strand (G>A on the coding strand, the complement: ZNF335 is on the minus strand). VCF-style: chr20-45967914-C-T. GRCh37 (hg19) VCF-style: chr20-44596553-C-T.
Other names: short protein forms G212R.
Identifiers: ClinVar variation 4740163 (VCV004740163.1).
Genomic context (GRCh38, chr20:45,967,914, plus strand): 5'-TCTGCAGGTCCGGCTCTTCGGCACCGGAGGCTGGGGGCAGCTGCACCGGGGAGCTGGGCC[C>T]ACCCTGTGCCTCCAGGCATGTGGATGTGGATGTGGGGCCATCTGCCAGGGCCTCAATGGC-3'
Protein context (NP_071378.1, residues 202-222): STSTCLEAQG[Gly212Arg]PSSPVQLPPA